The following is an entry in ClinVar:

ClinVar aggregate classification (germline): Benign/Likely benign. Review status: criteria provided, multiple submitters, no conflicts (2 of 4 stars). 3 submissions from 3 submitters: Benign (1); Likely benign (1). 1 of the submissions does not count toward it. Last evaluated 2024-04-16.

Allele frequency attached by ClinVar (database versions not stated): TOPMed 0.00005; 1000 Genomes Project 30x 0.00016; gnomAD 0.00067.
gnomAD v4.1: 306 of 1,604,432 alleles (0.019%); highest among the groups gnomAD compares: South Asian, 0.0011%; 1 homozygote.

Submissions (3):

Blueprint Genetics
Classification: Likely benign. Last evaluated: 2024-04-16. Review status: criteria provided, single submitter. Criteria: ACMG Guidelines, 2015. Collection method: clinical testing. Allele origin: germline.

Labcorp Genetics (formerly Invitae), Labcorp
Classification: Benign. Last evaluated: 2024-04-05. Review status: criteria provided, single submitter. Criteria: Invitae Variant Classification Sherloc (09022015). Collection method: clinical testing. Allele origin: germline.

Martin Pollak Laboratory,  Beth Israel Deaconess Medical Center
Classification: Uncertain significance. Review status: no assertion criteria provided. Collection method: not provided. Allele origin: unknown. Not counted in ClinVar's aggregate classification.
Comment: Higher UCa2+ group
ClinVar note: Converted during submission from unknown to Uncertain significance.

NM_004795.4(KL):c.639C>A (p.Ala213=)

Gene: KL (klotho; plus strand). Cytogenetic location: 13q13.1.
Variant type: single nucleotide variant.
Coding change: c.639C>A on transcript NM_004795.4 (MANE Select); coding-DNA position 639, C replaced by A.
Protein change: p.Ala213=; no amino-acid change (alanine 213 retained).
Molecular consequence: synonymous variant.
Genome position (GRCh38, 1-based): chr13:33,017,079, C>A. VCF-style: chr13-33017079-C-A. GRCh37 (hg19) VCF-style: chr13-33591217-C-A.
Identifiers: ClinVar variation 64552 (VCV000064552.5), dbSNP rs387907445, ClinGen allele CA216389.